The following is an entry in ClinVar:

NM_014727.3(KMT2B):c.6913G>A (p.Glu2305Lys)

Gene: KMT2B (lysine methyltransferase 2B; plus strand). Cytogenetic location: 19q13.12.
Variant type: single nucleotide variant.
Coding change: c.6913G>A on transcript NM_014727.3 (MANE Select); coding-DNA position 6913, G replaced by A.
Protein change: p.Glu2305Lys; replaces glutamic acid 2305 with lysine.
Molecular consequence: missense variant.
Genome position (GRCh38, 1-based): chr19:35,733,462, G>A. VCF-style: chr19-35733462-G-A. GRCh37 (hg19) VCF-style: chr19-36224363-G-A.
Other names: short protein forms E2305K.
Identifiers: ClinVar variation 4994083 (VCV004994083.1).

ClinVar aggregate classification (germline): Uncertain significance (1 of 4 stars; one submission).

Conditions:
KMT2B-related disorder. Also called: KMT2B-related disorders; KMT2B-related condition. Identifiers: MedGen CN381338.

Submission:

PreventionGenetics, part of Exact Sciences
Classification: Uncertain significance for KMT2B-related condition. Last evaluated: 2026-07-10. Review status: criteria provided, single submitter. Criteria: ACMG Guidelines, 2015. Collection method: clinical testing. Allele origin: germline.
Comment: The KMT2B c.6913G>A variant is predicted to result in the amino acid substitution p.Glu2305Lys. To our knowledge, this variant has not been reported in the literature or in a large population database (gnomAD), indicating this variant is rare. At this time, the clinical significance of this variant is uncertain due to the absence of conclusive functional and genetic evidence.